The following is an entry in ClinVar:

ClinVar aggregate classification (germline): Uncertain significance (1 of 4 stars; one submission).

gnomAD v4.1: 7 of 1,560,026 alleles (0.00045%); highest among the groups gnomAD compares: Non-Finnish European, 0.00061%; no homozygotes.

Submission:

Labcorp Genetics (formerly Invitae), Labcorp
Classification: Uncertain significance. Last evaluated: 2024-02-16. Review status: criteria provided, single submitter. Criteria: Invitae Variant Classification Sherloc (09022015). Collection method: clinical testing. Allele origin: germline.
Comment: This sequence change replaces proline, which is neutral and non-polar, with serine, which is neutral and polar, at codon 905 of the ZNF687 protein (p.Pro905Ser). The frequency data for this variant in the population databases is considered unreliable, as metrics indicate poor data quality at this position in the gnomAD database. This variant has not been reported in the literature in individuals affected with ZNF687-related conditions. An algorithm developed to predict the effect of missense changes on protein structure and function (PolyPhen-2) suggests that this variant is likely to be disruptive. In summary, the available evidence is currently insufficient to determine the role of this variant in disease. Therefore, it has been classified as a Variant of Uncertain Significance.

NM_020832.3(ZNF687):c.2713C>T (p.Pro905Ser)

Gene: ZNF687 (zinc finger protein 687; plus strand). Cytogenetic location: 1q21.3.
Variant type: single nucleotide variant.
Coding change: c.2713C>T on transcript NM_020832.3 (MANE Select); coding-DNA position 2713, C replaced by T.
Protein change: p.Pro905Ser; replaces proline 905 with serine.
Molecular consequence: missense variant.
Genome position (GRCh38, 1-based): chr1:151,289,756, C>T. VCF-style: chr1-151289756-C-T. GRCh37 (hg19) VCF-style: chr1-151262232-C-T.
Other names: c.2713C>T, p.Pro905Ser (NM_001304763.2, NM_001304764.2); short protein forms P905S.
Identifiers: ClinVar variation 3688606 (VCV003688606.2).